The following is an entry in ClinVar:

NM_000540.3(RYR1):c.14589C>G (p.Phe4863Leu)

Gene: RYR1 (ryanodine receptor 1; plus strand). Cytogenetic location: 19q13.2.
Variant type: single nucleotide variant.
Coding change: c.14589C>G on transcript NM_000540.3 (MANE Select); coding-DNA position 14589, C replaced by G.
Protein change: p.Phe4863Leu; replaces phenylalanine 4863 with leucine.
Molecular consequence: missense variant.
Genome position (GRCh38, 1-based): chr19:38,580,447, C>G. VCF-style: chr19-38580447-C-G. GRCh37 (hg19) VCF-style: chr19-39071087-C-G.
Other names: c.14574C>G, p.Phe4858Leu (NM_001042723.2); short protein forms F4863L, F4858L.
Identifiers: ClinVar variation 3636252 (VCV003636252.2).

ClinVar aggregate classification (germline): Uncertain significance (1 of 4 stars; one submission).

Conditions:
RYR1-related disorder. Also called: RYR1-related condition; RYR1-related disorders. Identifiers: MedGen CN239331.

Submission:

Labcorp Genetics (formerly Invitae), Labcorp
Classification: Uncertain significance for RYR1-related disorder. Last evaluated: 2025-12-13. Review status: criteria provided, single submitter. Criteria: Invitae Variant Classification Sherloc (09022015). Collection method: clinical testing. Allele origin: germline.
Comment: This sequence change replaces phenylalanine, which is neutral and non-polar, with leucine, which is neutral and non-polar, at codon 4863 of the RYR1 protein (p.Phe4863Leu). This variant is not present in population databases (gnomAD no frequency). This variant has not been reported in the literature in individuals affected with RYR1-related conditions. ClinVar contains an entry for this variant (Variation ID: 3636252). Invitae Evidence Modeling of protein sequence and biophysical properties (such as structural, functional, and spatial information, amino acid conservation, physicochemical variation, residue mobility, and thermodynamic stability) indicates that this missense variant is expected to disrupt RYR1 protein function with a positive predictive value of 80%. In summary, the available evidence is currently insufficient to determine the role of this variant in disease. Therefore, it has been classified as a Variant of Uncertain Significance.